The following is an entry in ClinVar:

ClinVar aggregate classification (germline): Uncertain significance. Review status: criteria provided, single submitter (1 of 4 stars). 2 submissions from 2 submitters: Uncertain significance (1). 1 of the submissions does not count toward it. Last evaluated 2021-09-16.

Conditions:
AGL-related disorder. Also called: AGL-related condition.
Glycogen storage disease type III (GSD3). Also called: Cori disease; FORBES DISEASE. Identifiers: Orphanet 366, MedGen C0017922, MONDO:0009291, OMIM 232400.

Allele frequency attached by ClinVar (database versions not stated): TOPMed below 0.00001.
gnomAD v4.1: 2 of 1,611,822 alleles (0.00012%); no homozygotes.

Submissions (2):

Labcorp Genetics (formerly Invitae), Labcorp
Classification: Uncertain significance for Glycogen storage disease type III. Last evaluated: 2021-09-16. Review status: criteria provided, single submitter. Criteria: Invitae Variant Classification Sherloc (09022015). Collection method: clinical testing. Allele origin: germline.
Comment: This sequence change falls in intron 24 of the AGL gene. It does not directly change the encoded amino acid sequence of the AGL protein, but it affects a nucleotide within the consensus splice site of the intron. This variant is not present in population databases (ExAC no frequency). This variant has not been reported in the literature in individuals with AGL-related conditions. Nucleotide substitutions within the consensus splice site are a relatively common cause of aberrant splicing (PMID: 17576681, 9536098). Algorithms developed to predict the effect of sequence changes on RNA splicing suggest that this variant is not likely to affect RNA splicing, but this prediction has not been confirmed by published transcriptional studies. In summary, the available evidence is currently insufficient to determine the role of this variant in disease. Therefore, it has been classified as a Variant of Uncertain Significance.

PreventionGenetics, part of Exact Sciences
Classification: Likely benign for AGL-related condition. Last evaluated: 2019-12-01. Review status: no assertion criteria provided. Collection method: clinical testing. Allele origin: germline. Not counted in ClinVar's aggregate classification.
Comment: This variant is classified as likely benign based on ACMG/AMP sequence variant interpretation guidelines (Richards et al. 2015 PMID: 25741868, with internal and published modifications).

Literature cited by the submitters: PubMed 17576681 (cited by Labcorp Genetics (formerly Invitae), Labcorp); PubMed 9536098 (cited by Labcorp Genetics (formerly Invitae), Labcorp).

NM_000642.3(AGL):c.3260-3T>C

Gene: AGL (amylo-alpha-1,6-glucosidase and 4-alpha-glucanotransferase; plus strand). Cytogenetic location: 1p21.2.
Variant type: single nucleotide variant.
Coding change: c.3260-3T>C on transcript NM_000642.3 (MANE Select); 3 bases into the intron before coding-DNA position 3260, T replaced by C.
Molecular consequence: intron variant.
Genome position (GRCh38, 1-based): chr1:99,896,283, T>C. VCF-style: chr1-99896283-T-C. GRCh37 (hg19) VCF-style: chr1-100361839-T-C.
Other names: c.3260-3T>C (NM_000643.3, NM_000644.3, NM_001425325.1 and 1 more transcripts); c.3212-3T>C (NM_000646.3); c.3239-3T>C (NM_001425326.1); c.3059-3T>C (NM_001425327.1); c.3056-3T>C (NM_001425328.1); c.2921-3T>C (NM_001425329.1); c.2882-3T>C (NM_001425332.1).
Identifiers: ClinVar variation 1352299 (VCV001352299.7), dbSNP rs1021997139, ClinGen allele CA27534438.